The following is an entry in ClinVar:

ClinVar aggregate classification (germline): Uncertain significance. Review status: criteria provided, multiple submitters, no conflicts (2 of 4 stars). 2 submissions from 2 submitters: Uncertain significance (2). Last evaluated 2023-08-23.

Conditions:
Cardiovascular phenotype. Identifiers: MedGen CN230736.
Dilated cardiomyopathy 1O (CMD1O). Also called: CARDIOMYOPATHY, DILATED, WITH VENTRICULAR TACHYCARDIA. Identifiers: Orphanet 154, MedGen C1837839, MONDO:0012062, OMIM 608569.

Allele frequency attached by ClinVar (database versions not stated): gnomAD 0.00001; gnomAD exomes 0.00001 and 0.00002; ExAC 0.00002; TOPMed 0.00001.
gnomAD v4.1: 19 of 1,610,884 alleles (0.0012%); highest among the groups gnomAD compares: Admixed American, 0.0017%; no homozygotes.

Submissions (2):

Ambry Genetics
Classification: Uncertain significance for Cardiovascular phenotype. Last evaluated: 2023-08-23. Review status: criteria provided, single submitter. Criteria: Ambry Variant Classification Scheme 2023. Collection method: clinical testing. Allele origin: germline.
Comment: The p.D17N variant (also known as c.49G>A), located in coding exon 1 of the ABCC9 gene, results from a G to A substitution at nucleotide position 49. The aspartic acid at codon 17 is replaced by asparagine, an amino acid with highly similar properties. This amino acid position is poorly conserved in available vertebrate species. In addition, this alteration is predicted to be tolerated by in silico analysis. Since supporting evidence is limited at this time, the clinical significance of this alteration remains unclear.

Labcorp Genetics (formerly Invitae), Labcorp
Classification: Uncertain significance for Dilated cardiomyopathy 1O. Last evaluated: 2023-07-10. Review status: criteria provided, single submitter. Criteria: Invitae Variant Classification Sherloc (09022015). Collection method: clinical testing. Allele origin: germline.
Comment: In summary, the available evidence is currently insufficient to determine the role of this variant in disease. Therefore, it has been classified as a Variant of Uncertain Significance. Advanced modeling of protein sequence and biophysical properties (such as structural, functional, and spatial information, amino acid conservation, physicochemical variation, residue mobility, and thermodynamic stability) performed at Invitae indicates that this missense variant is not expected to disrupt ABCC9 protein function. ClinVar contains an entry for this variant (Variation ID: 839849). This variant has not been reported in the literature in individuals affected with ABCC9-related conditions. This variant is present in population databases (rs772070154, gnomAD 0.003%). This sequence change replaces aspartic acid, which is acidic and polar, with asparagine, which is neutral and polar, at codon 17 of the ABCC9 protein (p.Asp17Asn).

NM_020297.4(ABCC9):c.49G>A (p.Asp17Asn)

Gene: ABCC9 (ATP binding cassette subfamily C member 9; minus strand). Cytogenetic location: 12p12.1.
Variant type: single nucleotide variant.
Coding change: c.49G>A on transcript NM_020297.4 (MANE Select); coding-DNA position 49, G replaced by A.
Protein change: p.Asp17Asn; replaces aspartic acid 17 with asparagine.
Molecular consequence: missense variant. On other transcripts: 5 prime UTR variant (1).
Genome position (GRCh38, 1-based): chr12:21,936,626, C>T on the plus strand (G>A on the coding strand, the complement: ABCC9 is on the minus strand). VCF-style: chr12-21936626-C-T. GRCh37 (hg19) VCF-style: chr12-22089560-C-T.
Other names: c.49G>A (NM_005691.2); c.49G>A, p.Asp17Asn (NM_001377273.1, NM_005691.4); c.-406G>A (NM_001377274.1); short protein forms D17N.
Identifiers: ClinVar variation 839849 (VCV000839849.9), dbSNP rs772070154, ClinGen allele CA6481961.